The following is an entry in ClinVar:

NM_018109.4(MTPAP):c.356G>A (p.Cys119Tyr)

Gene: MTPAP (mitochondrial poly(A) polymerase; minus strand). Cytogenetic location: 10p11.23.
Variant type: single nucleotide variant.
Coding change: c.356G>A on transcript NM_018109.4 (MANE Select); coding-DNA position 356, G replaced by A.
Protein change: p.Cys119Tyr; replaces cysteine 119 with tyrosine.
Molecular consequence: missense variant.
Genome position (GRCh38, 1-based): chr10:30,340,425, C>T on the plus strand (G>A on the coding strand, the complement: MTPAP is on the minus strand). VCF-style: chr10-30340425-C-T. GRCh37 (hg19) VCF-style: chr10-30629354-C-T.
Other names: c.356G>A (NM_018109.3); short protein forms C119Y.
Identifiers: ClinVar variation 2060843 (VCV002060843.5), dbSNP rs2538468035, ClinGen allele CA376428190.
Genomic context (GRCh38, chr10:30,340,425, plus strand): 5'-TCCATGGCCGTGCTTGGAGTATGAGTCCCATTCTGCAGTGAACCTATGCTTTCCTTTTGG[C>T]AAAATTCTACGACAGCATAGAGACCCTATACCAAAAACATAAGAAAAAACAGAACACATT-3'
Protein context (NP_060579.3, residues 109-129): SFGLYAVVEF[Cys119Tyr]QKESIGSLQN

ClinVar aggregate classification (germline): Uncertain significance. Review status: criteria provided, multiple submitters, no conflicts (2 of 4 stars). 2 submissions from 2 submitters: Uncertain significance (2). Last evaluated 2025-08-23.

Conditions:
Inborn genetic diseases. Identifiers: MedGen C0950123, MeSH D030342.

Allele frequency attached by ClinVar (database versions not stated): gnomAD exomes below 0.00001.
gnomAD v4.1: 1 of 1,614,016 alleles (0.000062%); highest among the groups gnomAD compares: Non-Finnish European, 0.000085%; no homozygotes.

Submissions (2):

Ambry Genetics
Classification: Uncertain significance for Inborn genetic diseases. Last evaluated: 2025-08-23. Review status: criteria provided, single submitter. Criteria: Ambry Variant Classification Scheme 2023. Collection method: clinical testing. Allele origin: germline.

Labcorp Genetics (formerly Invitae), Labcorp
Classification: Uncertain significance. Last evaluated: 2022-07-23. Review status: criteria provided, single submitter. Criteria: Invitae Variant Classification Sherloc (09022015). Collection method: clinical testing. Allele origin: germline.
Comment: In summary, the available evidence is currently insufficient to determine the role of this variant in disease. Therefore, it has been classified as a Variant of Uncertain Significance. Algorithms developed to predict the effect of missense changes on protein structure and function are either unavailable or do not agree on the potential impact of this missense change (SIFT: "Tolerated"; PolyPhen-2: "Possibly Damaging"; Align-GVGD: "Class C0"). This variant has not been reported in the literature in individuals affected with MTPAP-related conditions. This variant is not present in population databases (gnomAD no frequency). This sequence change replaces cysteine, which is neutral and slightly polar, with tyrosine, which is neutral and polar, at codon 119 of the MTPAP protein (p.Cys119Tyr).